The following is an entry in ClinVar:

NM_000245.4(MET):c.1841T>C (p.Leu614Ser)

Gene: MET (MET proto-oncogene, receptor tyrosine kinase; plus strand). Cytogenetic location: 7q31.2.
Variant type: single nucleotide variant.
Coding change: c.1841T>C on transcript NM_000245.4 (MANE Select); coding-DNA position 1841, T replaced by C.
Protein change: p.Leu614Ser; replaces leucine 614 with serine.
Molecular consequence: missense variant.
Genome position (GRCh38, 1-based): chr7:116,755,494, T>C. VCF-style: chr7-116755494-T-C. GRCh37 (hg19) VCF-style: chr7-116395548-T-C.
Other names: c.1841T>C, p.Leu614Ser (NM_001127500.3, NM_001324401.3); c.551T>C, p.Leu184Ser (NM_001324402.2); short protein forms L614S, L184S.
Identifiers: ClinVar variation 5024434 (VCV005024434.1).

ClinVar aggregate classification (germline): Uncertain significance (1 of 4 stars; one submission).

Conditions:
Hereditary cancer-predisposing syndrome. Also called: Neoplastic Syndromes, Hereditary; Tumor predisposition; Hereditary neoplastic syndrome; Hereditary Cancer Syndrome. Identifiers: Orphanet 140162, MedGen C0027672, MeSH D009386, MONDO:0015356.

Submission:

Ambry Genetics
Classification: Uncertain significance for Hereditary cancer-predisposing syndrome. Last evaluated: 2026-09-06. Review status: criteria provided, single submitter. Criteria: Ambry Variant Classification Scheme 2023. Collection method: clinical testing. Allele origin: germline.
Comment: The p.L614S variant (also known as c.1841T>C), located in coding exon 5 of the MET gene, results from a T to C substitution at nucleotide position 1841. The leucine at codon 614 is replaced by serine, an amino acid with dissimilar properties. This amino acid position is conserved. In addition, this alteration is predicted to be tolerated by in silico analysis. Based on the available evidence, the clinical significance of this variant remains unclear.